The following is an entry in ClinVar:

ClinVar aggregate classification (germline): Uncertain significance (1 of 4 stars; one submission).

gnomAD v4.1: 5 of 1,561,750 alleles (0.00032%); highest among the groups gnomAD compares: East Asian, 0.0045%; no homozygotes.

Submission:

Labcorp Genetics (formerly Invitae), Labcorp
Classification: Uncertain significance. Last evaluated: 2024-09-30. Review status: criteria provided, single submitter. Criteria: Invitae Variant Classification Sherloc (09022015). Collection method: clinical testing. Allele origin: germline.
Comment: This sequence change replaces valine, which is neutral and non-polar, with leucine, which is neutral and non-polar, at codon 3973 of the FRAS1 protein (p.Val3973Leu). This variant is present in population databases (no rsID available, gnomAD 0.006%). This variant has not been reported in the literature in individuals affected with FRAS1-related conditions. An algorithm developed to predict the effect of missense changes on protein structure and function (PolyPhen-2) suggests that this variant is likely to be tolerated. In summary, the available evidence is currently insufficient to determine the role of this variant in disease. Therefore, it has been classified as a Variant of Uncertain Significance.

NM_025074.7(FRAS1):c.11917G>C (p.Val3973Leu)

Gene: FRAS1 (Fraser extracellular matrix complex subunit 1; plus strand). Cytogenetic location: 4q21.21.
Variant type: single nucleotide variant.
Coding change: c.11917G>C on transcript NM_025074.7 (MANE Select); coding-DNA position 11917, G replaced by C.
Protein change: p.Val3973Leu; replaces valine 3973 with leucine.
Molecular consequence: missense variant.
Genome position (GRCh38, 1-based): chr4:78,541,002, G>C. VCF-style: chr4-78541002-G-C. GRCh37 (hg19) VCF-style: chr4-79462156-G-C.
Other names: short protein forms V3973L.
Identifiers: ClinVar variation 3603750 (VCV003603750.2).